The following is an entry in ClinVar:

ClinVar aggregate classification (germline): Uncertain significance (1 of 4 stars; one submission).

Conditions:
Joubert syndrome. Also called: CEREBELLOPARENCHYMAL DISORDER IV; JOUBERT-BOLTSHAUSER SYNDROME; Familial aplasia of the vermis. Identifiers: Orphanet 475, MedGen C5979921, MONDO:0018772.

Submission:

Labcorp Genetics (formerly Invitae), Labcorp
Classification: Uncertain significance for Joubert syndrome. Last evaluated: 2024-08-12. Review status: criteria provided, single submitter. Criteria: Invitae Variant Classification Sherloc (09022015). Collection method: clinical testing. Allele origin: germline.
Comment: This sequence change replaces valine, which is neutral and non-polar, with leucine, which is neutral and non-polar, at codon 784 of the AHI1 protein (p.Val784Leu). This variant is not present in population databases (gnomAD no frequency). This variant has not been reported in the literature in individuals affected with AHI1-related conditions. ClinVar contains an entry for this variant (Variation ID: 1471843). Advanced modeling of protein sequence and biophysical properties (such as structural, functional, and spatial information, amino acid conservation, physicochemical variation, residue mobility, and thermodynamic stability) performed at Invitae indicates that this missense variant is not expected to disrupt AHI1 protein function with a negative predictive value of 95%. In summary, the available evidence is currently insufficient to determine the role of this variant in disease. Therefore, it has been classified as a Variant of Uncertain Significance.

NM_001134831.2(AHI1):c.2350G>C (p.Val784Leu)

Gene: AHI1 (Abelson helper integration site 1; minus strand). Cytogenetic location: 6q23.3.
Variant type: single nucleotide variant.
Coding change: c.2350G>C on transcript NM_001134831.2 (MANE Select); coding-DNA position 2350, G replaced by C.
Protein change: p.Val784Leu; replaces valine 784 with leucine.
Molecular consequence: missense variant.
Genome position (GRCh38, 1-based): chr6:135,431,231, C>G on the plus strand (G>C on the coding strand, the complement: AHI1 is on the minus strand). VCF-style: chr6-135431231-C-G. GRCh37 (hg19) VCF-style: chr6-135752369-C-G.
Other names: c.2350G>C, p.Val784Leu (NM_001134830.2, NM_001134832.2, NM_001350503.2 and 2 more transcripts); short protein forms V784L.
Identifiers: ClinVar variation 1471843 (VCV001471843.5), dbSNP rs1377937999, ClinGen allele CA365743151.